The following is an entry in ClinVar:

ClinVar aggregate classification (germline): Uncertain significance. Review status: criteria provided, multiple submitters, no conflicts (2 of 4 stars). 2 submissions from 2 submitters: Uncertain significance (2). Last evaluated 2021-12-22.

Allele frequency attached by ClinVar (database versions not stated): gnomAD 0.00001; gnomAD exomes 0.00001 and 0.00004; TOPMed 0.00001.
gnomAD v4.1: 63 of 1,563,474 alleles (0.004%); highest among the groups gnomAD compares: Non-Finnish European, 0.0053%; no homozygotes.

Submissions (2):

Labcorp Genetics (formerly Invitae), Labcorp
Classification: Uncertain significance. Last evaluated: 2021-12-22. Review status: criteria provided, single submitter. Criteria: Invitae Variant Classification Sherloc (09022015). Collection method: clinical testing. Allele origin: germline.
Comment: This sequence change replaces histidine, which is basic and polar, with arginine, which is basic and polar, at codon 731 of the RIN2 protein (p.His731Arg). This variant is present in population databases (no rsID available, gnomAD 0.001%). This variant has not been reported in the literature in individuals affected with RIN2-related conditions. ClinVar contains an entry for this variant (Variation ID: 1309777). Algorithms developed to predict the effect of missense changes on protein structure and function are either unavailable or do not agree on the potential impact of this missense change (SIFT: "Tolerated"; PolyPhen-2: "Not Available"; Align-GVGD: "Class C0"). In summary, the available evidence is currently insufficient to determine the role of this variant in disease. Therefore, it has been classified as a Variant of Uncertain Significance.

GeneDx
Classification: Uncertain significance. Last evaluated: 2019-10-30. Review status: criteria provided, single submitter. Criteria: GeneDx Variant Classification Process June 2021. Collection method: clinical testing. Allele origin: germline. Affected: yes.
Comment: Not observed at a significant frequency in large population cohorts (Lek et al., 2016); In silico analysis, which includes protein predictors and evolutionary conservation, supports that this variant does not alter protein structure/function; Has not been previously published as pathogenic or benign to our knowledge

NM_018993.4(RIN2):c.2192A>G (p.His731Arg)

Gene: RIN2 (Ras and Rab interactor 2; plus strand). Cytogenetic location: 20p11.23.
Variant type: single nucleotide variant.
Coding change: c.2192A>G on transcript NM_018993.4 (MANE Select); coding-DNA position 2192, A replaced by G.
Protein change: p.His731Arg; replaces histidine 731 with arginine.
Molecular consequence: missense variant.
Genome position (GRCh38, 1-based): chr20:19,992,291, A>G. VCF-style: chr20-19992291-A-G. GRCh37 (hg19) VCF-style: chr20-19972935-A-G.
Other names: c.2339A>G, p.His780Arg (NM_001242581.2); c.1574A>G, p.His525Arg (NM_001378238.1); short protein forms H525R, H731R, H780R.
Identifiers: ClinVar variation 1309777 (VCV001309777.3), dbSNP rs990323695, ClinGen allele CA312430444.